The following is an entry in ClinVar:

NM_006565.4(CTCF):c.1231A>T (p.Ile411Phe)

Gene: CTCF (CCCTC-binding factor; plus strand). Cytogenetic location: 16q22.1.
Variant type: single nucleotide variant.
Coding change: c.1231A>T on transcript NM_006565.4 (MANE Select); coding-DNA position 1231, A replaced by T.
Protein change: p.Ile411Phe; replaces isoleucine 411 with phenylalanine.
Molecular consequence: missense variant.
Genome position (GRCh38, 1-based): chr16:67,621,465, A>T. VCF-style: chr16-67621465-A-T. GRCh37 (hg19) VCF-style: chr16-67655368-A-T.
Other names: c.247A>T, p.Ile83Phe (NM_001191022.2); c.1231A>T, p.Ile411Phe (NM_001363916.2); short protein forms I411F, I83F.
Identifiers: ClinVar variation 3900951 (VCV003900951.1).

ClinVar aggregate classification (germline): Uncertain significance (1 of 4 stars; one submission).

Submission:

GeneDx
Classification: Uncertain significance. Last evaluated: 2024-11-27. Review status: criteria provided, single submitter. Criteria: GeneDx Variant Classification Process June 2021. Collection method: clinical testing. Allele origin: germline. Affected: yes.
Comment: Not observed at significant frequency in large population cohorts (gnomAD); In silico analysis supports that this missense variant has a deleterious effect on protein structure/function; Has not been previously published as pathogenic or benign to our knowledge